The following is an entry in ClinVar:

ClinVar aggregate classification (germline): Likely benign. Review status: criteria provided, multiple submitters, no conflicts (2 of 4 stars). 4 submissions from 4 submitters: Likely benign (3). 1 of the submissions does not count toward it. Last evaluated 2026-01-31.

Conditions:
TBCK-related disorder. Also called: TBCK-related condition; TBCK-related disorders.

Allele frequency attached by ClinVar (database versions not stated): ExAC 0.00048; gnomAD exomes 0.00048 and 0.00038; TOPMed 0.00035; gnomAD 0.00038 and 0.00041; ESP Exome Variant Server 0.00046.
gnomAD v4.1: 601 of 1,612,732 alleles (0.037%); highest among the groups gnomAD compares: Non-Finnish European, 0.047%; 1 homozygote.

Submissions (4):

Labcorp Genetics (formerly Invitae), Labcorp
Classification: Likely benign. Last evaluated: 2026-01-31. Review status: criteria provided, single submitter. Criteria: Invitae Variant Classification Sherloc (09022015). Collection method: clinical testing. Allele origin: germline.

CeGaT Center for Human Genetics Tuebingen
Classification: Likely benign. Last evaluated: 2025-04-01. Review status: criteria provided, single submitter. Criteria: CeGaT Center For Human Genetics Tuebingen Variant Classification Criteria Version 2. Collection method: clinical testing. Allele origin: germline. Affected: yes. Observed: 2 variant alleles.
Comment: TBCK: BP4, BP7

Blueprint Genetics
Classification: Likely benign. Last evaluated: 2024-11-22. Review status: criteria provided, single submitter. Criteria: ACMG Guidelines, 2015. Collection method: clinical testing. Allele origin: germline.

PreventionGenetics, part of Exact Sciences
Classification: Likely benign for TBCK-related condition. Last evaluated: 2019-03-19. Review status: no assertion criteria provided. Collection method: clinical testing. Allele origin: germline. Not counted in ClinVar's aggregate classification.
Comment: This variant is classified as likely benign based on ACMG/AMP sequence variant interpretation guidelines (Richards et al. 2015 PMID: 25741868, with internal and published modifications).

NM_001163435.3(TBCK):c.2421T>C (p.Arg807=)

Gene: TBCK (TBC1 domain containing kinase; minus strand). Cytogenetic location: 4q24.
Variant type: single nucleotide variant.
Coding change: c.2421T>C on transcript NM_001163435.3 (MANE Select); coding-DNA position 2421, T replaced by C.
Protein change: p.Arg807=; no amino-acid change (arginine 807 retained).
Molecular consequence: synonymous variant.
Genome position (GRCh38, 1-based): chr4:106,095,632, A>G on the plus strand (T>C on the coding strand, the complement: TBCK is on the minus strand). VCF-style: chr4-106095632-A-G. GRCh37 (hg19) VCF-style: chr4-107016789-A-G.
Other names: c.2421T>C, p.Arg807= (NM_001163436.4); c.2304T>C, p.Arg768= (NM_001163437.3); c.1905T>C, p.Arg635= (NM_001290768.2); c.2232T>C, p.Arg744= (NM_033115.5).
Identifiers: ClinVar variation 734374 (VCV000734374.33), dbSNP rs144998853, ClinGen allele CA3034703.